The following is an entry in ClinVar:

ClinVar aggregate classification (germline): Pathogenic. Review status: criteria provided, multiple submitters, no conflicts (2 of 4 stars). 13 submissions from 13 submitters: Pathogenic (12). 1 of the submissions does not count toward it. Last evaluated 2026-05-01.

Conditions:
ETFDH-related disorder. Also called: ETFDH-related condition.
Glutaric acidemia type 2C.
Inborn genetic diseases. Identifiers: MedGen C0950123, MeSH D030342.
Multiple acyl-CoA dehydrogenase deficiency (MADD). Also called: Glutaric acidemia type II; GA 2; Glutaric aciduria, type 2; ETHYLMALONIC-ADIPICACIDURIA; GA II; Glutaric Acidemia type 2. Identifiers: Orphanet 26791, MedGen C0268596, MONDO:0009282, OMIM 231680.

Allele frequency attached by ClinVar (database versions not stated): gnomAD 0.00007 and 0.00008; gnomAD exomes 0.00007 and 0.00022; ExAC 0.00008; TOPMed 0.00009; ESP Exome Variant Server 0.00024.

Submissions (13):

Women's Health and Genetics/Laboratory Corporation of America, LabCorp
Classification: Pathogenic for Multiple acyl-CoA dehydrogenase deficiency. Last evaluated: 2026-05-01. Review status: criteria provided, single submitter. Criteria: LabCorp Variant Classification Summary - May 2015. Collection method: clinical testing. Allele origin: germline.
Comment: Variant summary: ETFDH c.51dupT (p.Ala18CysfsX5) results in a premature termination codon, predicted to cause a truncation of the encoded protein or absence of the protein due to nonsense mediated decay, which are commonly known mechanisms for disease. The variant allele was found at a frequency of 7.2e-05 in 250878 control chromosomes (gnomAD). This frequency is not significantly higher than estimated for disease-causing variants in ETFDH, allowing no conclusion about variant significance. c.51dupT has been observed in individuals affected with Glutaric Aciduria, Type 2c (e.g. Goodman_2002). The following publication has been ascertained in the context of this evaluation (PMID: 12359134). ClinVar contains an entry for this variant (Variation ID: 195222). Based on the evidence outlined above, the variant was classified as pathogenic.

Natera, Inc.
Classification: Pathogenic for Glutaric acidemia type 2C. Last evaluated: 2026-01-26. Review status: criteria provided, single submitter. Criteria: Natera Variant Classification Schema (03/2026). Collection method: clinical testing. Allele origin: germline.
Comment: The c.51dupT variant in ETFDH is a frameshift variant predicted to shift the reading frame beginning at codon 18 and leads to a stop codon 5 codons downstream. This variant is expected to result in nonsense mediated decay, truncation, or a dysfunctional protein product. This variant is rare in the general population with a frequency below the threshold expected for the associated phenotype(s). This variant has been observed in one or more individuals affected with the associated recessive disease, as either homozygous or compound heterozygous with a second variant (PMID: 17584774). Given the available evidence, this variant is classified as Pathogenic.

Labcorp Genetics (formerly Invitae), Labcorp
Classification: Pathogenic for Multiple acyl-CoA dehydrogenase deficiency. Last evaluated: 2025-12-16. Review status: criteria provided, single submitter. Criteria: Invitae Variant Classification Sherloc (09022015). Collection method: clinical testing. Allele origin: germline.
Comment: This sequence change creates a premature translational stop signal (p.Ala18Cysfs*5) in the ETFDH gene. It is expected to result in an absent or disrupted protein product. Loss-of-function variants in ETFDH are known to be pathogenic (PMID: 16510302, 23785301). This variant is present in population databases (rs773961946, gnomAD 0.01%). This premature translational stop signal has been observed in individual(s) with ETFDH-related conditions (PMID: 12359134, 12815589, 17584774). ClinVar contains an entry for this variant (Variation ID: 195222). For these reasons, this variant has been classified as Pathogenic.

Ambry Genetics
Classification: Pathogenic for Inborn genetic diseases. Last evaluated: 2025-04-14. Review status: criteria provided, single submitter. Criteria: Ambry Variant Classification Scheme 2023. Collection method: clinical testing. Allele origin: germline.
Comment: The c.51dupT (p.A18Cfs*5) alteration, located in exon 2 (coding exon 2) of the ETFDH gene, consists of a duplication of T at position 51, causing a translational frameshift with a predicted alternate stop codon after 5 amino acids. This alteration is expected to result in loss of function by premature protein truncation or nonsense-mediated mRNA decay. Based on data from gnomAD, the c.51dupT allele has an overall frequency of 0.007% (20/282262) total alleles studied. The highest observed frequency was 0.014% (18/128848) of European (non-Finnish) alleles. This variant has been identified in conjunction with other ETFDH variant(s) in individual(s) with features consistent with ETFDH-related glutaric acidemia II; in at least one instance, the variants were identified in trans (Lenahan, 2023; van Rijt, 2020; Olsen, 2007; Goodman, 2002). Based on the available evidence, this alteration is classified as pathogenic.

Department of Human Genetics, Hannover Medical School
Classification: Pathogenic for Multiple acyl-CoA dehydrogenase deficiency. Last evaluated: 2025-01-22. Review status: criteria provided, single submitter. Criteria: ACMG Guidelines, 2015. Collection method: clinical testing. Allele origin: germline. Inheritance: Autosomal recessive inheritance. Affected: yes.
Comment: ACMG: PVS1, PP4_Strong

Blueprint Genetics
Classification: Pathogenic for ETFDH-related disorders. Last evaluated: 2024-09-05. Review status: criteria provided, single submitter. Criteria: ACMG Guidelines, 2015. Collection method: clinical testing. Allele origin: germline. Affected: yes. Observed: 5 variant alleles.

Baylor Genetics
Classification: Pathogenic for Multiple acyl-CoA dehydrogenase deficiency. Last evaluated: 2024-03-26. Review status: criteria provided, single submitter. Criteria: ACMG Guidelines, 2015. Collection method: clinical testing. Allele origin: unknown.

Revvity Omics, Revvity
Classification: Pathogenic for Multiple acyl-CoA dehydrogenase deficiency. Last evaluated: 2024-01-29. Review status: criteria provided, single submitter. Criteria: ACMG Guidelines, 2015. Collection method: clinical testing. Allele origin: germline.

GeneDx
Classification: Pathogenic. Last evaluated: 2023-02-18. Review status: criteria provided, single submitter. Criteria: GeneDx Variant Classification Process June 2021. Collection method: clinical testing. Allele origin: germline. Affected: yes.
Comment: Frameshift variant predicted to result in protein truncation or nonsense mediated decay in a gene for which loss-of-function is a known mechanism of disease; Not observed at significant frequency in large population cohorts (gnomAD); This variant is associated with the following publications: (PMID: 12815589, 12359134, 17584774, 31268564)

Fulgent Genetics
Classification: Pathogenic for Multiple acyl-CoA dehydrogenase deficiency. Last evaluated: 2022-03-23. Review status: criteria provided, single submitter. Criteria: ACMG Guidelines, 2015. Collection method: clinical testing. Allele origin: unknown.

Victorian Clinical Genetics Services, Murdoch Childrens Research Institute
Classification: Pathogenic for Multiple acyl-CoA dehydrogenase deficiency. Last evaluated: 2020-06-11. Review status: criteria provided, single submitter. Criteria: ACMG Guidelines, 2015. Collection method: clinical testing. Allele origin: germline. Inheritance: Autosomal recessive inheritance.
Comment: Based on the classification scheme VCGS_Germline_v1.1.1, this variant is classified as 5-Pathogenic. Following criteria are met: 0102 - Loss-of-function is a known mechanism of disease for this gene. (N) 0106 - This gene is known to be associated with autosomal recessive disease. (N) 0202 - Variant is predicted to cause nonsense-mediated decay (NMD) and loss of protein but is located in an exon that may undergo alternative splicing. This variant is in exon 2 of 13 in the ETFDH gene. (P) 0251 - Variant is heterozygous. (N) 0304 - Variant is present in gnomAD v2 <0.01 for a recessive condition (20 Heterozygotes, 0 Homozygotes). (P) 0702 - Comparable variants have strong previous evidence for pathogenicity. Multiple (>5) NMD-predicted variants are present along the ETFDH gene (Decipher, ClinVar). (P) 0801 - Strong previous evidence of pathogenicity in unrelated individuals. This variant has been reported in multiple individuals with multiple acyl-CoA dehydrogenase deficiency (PMIDs: 12359134; 12815589; 17584774; 28468868). (P) 0905 - No segregation evidence has been identified for this variant in the literature. (N) 1208 - Inheritance information for this variant is not currently available. (N) Legend: (P) - Pathogenic, (N) - Neutral, (B) - Benign

Eurofins Ntd Llc (ga)
Classification: Pathogenic. Last evaluated: 2014-09-29. Review status: criteria provided, single submitter. Criteria: EGL Classification Definitions. Collection method: clinical testing. Allele origin: germline. Observed: 3 variant alleles, 3 heterozygotes.

PreventionGenetics, part of Exact Sciences
Classification: Pathogenic for ETFDH-related condition. Last evaluated: 2024-07-30. Review status: no assertion criteria provided. Collection method: clinical testing. Allele origin: germline. Not counted in ClinVar's aggregate classification.
Comment: The ETFDH c.51dupT variant is predicted to result in a frameshift and premature protein termination (p.Ala18Cysfs*5). This variant has previously been reported along with a second causative variant in multiple glutaric acidemia type II patients. The ETF:QO protein was reported to be undetectable in fibroblasts from several of these patients (Goodman et al. 2002, PubMed ID: 12359134; Olsen et al. 2003. PubMed ID: 12815589; Olsen et al. 2007. PubMed ID: 17584774). This variant is reported in 0.014% of alleles in individuals of European (Non-Finnish) descent in gnomAD. Frameshift variants in ETFDH are expected to be pathogenic. Taken together, this variant is interpreted as pathogenic.

Literature cited by the submitters: PubMed 12359134 (cited by 5 submitters); PubMed 17584774 (cited by 4 submitters); PubMed 16510302 (cited by Labcorp Genetics (formerly Invitae), Labcorp); PubMed 23785301 (cited by Labcorp Genetics (formerly Invitae), Labcorp); PubMed 12815589 (cited by Labcorp Genetics (formerly Invitae), Labcorp and Victorian Clinical Genetics Services, Murdoch Childrens Research Institute); PubMed 31904027 (cited by Ambry Genetics); PubMed 37269901 (cited by Ambry Genetics); PubMed 28468868 (cited by Victorian Clinical Genetics Services, Murdoch Childrens Research Institute).

NM_004453.4(ETFDH):c.51dup (p.Ala18fs)

Gene: ETFDH (electron transfer flavoprotein dehydrogenase; plus strand). Cytogenetic location: 4q32.1.
Variant type: Duplication.
Coding change: c.51dup on transcript NM_004453.4 (MANE Select); coding-DNA position 51, one base duplicated (T; older notation c.51dupT).
Protein change: p.Ala18fs; shifts the reading frame from alanine 18.
Molecular consequence: frameshift variant. On other transcripts: intron variant (1).
Genome position (GRCh38, 1-based): chr4:158,680,483, T duplicated. VCF-style (leftmost placement, unchanged base first): chr4-158680482-A-AT. GRCh37 (hg19) VCF-style: chr4-159601634-A-AT.
Other names: c.35-1712dup (NM_001281737.2); c.51dupT (NM_004453.3, NM_004453.4); c.51dup (NM_004453.2); short protein forms A18fs.
Identifiers: ClinVar variation 195222 (VCV000195222.28), dbSNP rs796051964, ClinGen allele CA312554.